The following is an entry in ClinVar:

ClinVar aggregate classification (germline): Uncertain significance (1 of 4 stars; one submission).

Conditions:
Hereditary cancer-predisposing syndrome. Also called: Neoplastic Syndromes, Hereditary; Tumor predisposition; Hereditary Cancer Syndrome; Hereditary neoplastic syndrome. Identifiers: Orphanet 140162, MedGen C0027672, MeSH D009386, MONDO:0015356.

gnomAD v4.1: 2 of 1,612,924 alleles (0.00012%); highest among the groups gnomAD compares: Non-Finnish European, 0.00017%; no homozygotes.

Submission:

Ambry Genetics
Classification: Uncertain significance for Hereditary cancer-predisposing syndrome. Last evaluated: 2026-04-15. Review status: criteria provided, single submitter. Criteria: Ambry Variant Classification Scheme 2023. Collection method: clinical testing. Allele origin: germline.
Comment: The p.R1100S variant (also known as c.3300G>C), located in coding exon 28 of the EGFR gene, results from a G to C substitution at nucleotide position 3300. The arginine at codon 1100 is replaced by serine, an amino acid with dissimilar properties. This amino acid position is well conserved in available vertebrate species. In addition, the in silico prediction for this alteration is inconclusive. Based on the available evidence, the clinical significance of this variant remains unclear.

NM_005228.5(EGFR):c.3300G>C (p.Arg1100Ser)

Gene: EGFR (epidermal growth factor receptor; plus strand). Cytogenetic location: 7p11.2.
Variant type: single nucleotide variant.
Coding change: c.3300G>C on transcript NM_005228.5 (MANE Select); coding-DNA position 3300, G replaced by C.
Protein change: p.Arg1100Ser; replaces arginine 1100 with serine.
Molecular consequence: missense variant.
Genome position (GRCh38, 1-based): chr7:55,205,284, G>C. VCF-style: chr7-55205284-G-C. GRCh37 (hg19) VCF-style: chr7-55272977-G-C.
Other names: c.3165G>C, p.Arg1055Ser (NM_001346899.2); c.3141G>C, p.Arg1047Ser (NM_001346900.2); c.2499G>C, p.Arg833Ser (NM_001346941.2); short protein forms R1047S, R1055S, R1100S, R833S.
Identifiers: ClinVar variation 4870242 (VCV004870242.1).